The following is an entry in ClinVar:

ClinVar aggregate classification (germline): Benign. Review status: reviewed by expert panel (3 of 4 stars). 7 submissions from 7 submitters: Benign (1). 6 of the submissions do not count toward it. Last evaluated 2022-06-30.

Conditions:
Inborn genetic diseases. Identifiers: MedGen C0950123, MeSH D030342.
Angelman syndrome (AS). Also called: HAPPY PUPPET SYNDROME. Identifiers: Orphanet 72, MedGen C0162635, MONDO:0007113, OMIM 105830. Disease mechanism: loss of function. Inheritance: AS is caused by disruption of maternally imprinted UBE3A located within the 15q11.2-q13 Angelman syndrome/Prader-Willi syndrome (AS/PWS) region., imprinting disorder.
Congenital myopathy. Identifiers: Orphanet 97245, MedGen C0270960, MONDO:0019952.

Allele frequency attached by ClinVar (database versions not stated): gnomAD 0.00004 and 0.00007; TOPMed 0.00006; ESP Exome Variant Server 0.00008; gnomAD exomes 0.00009 and 0.00014; 1000 Genomes Project 30x 0.00016; ExAC 0.00017; 1000 Genomes Project 0.00020.
gnomAD v4.1: 140 of 1,614,130 alleles (0.0087%); highest among the groups gnomAD compares: Middle Eastern, 0.16%; 2 homozygotes.

Submissions (7):

ClinGen Rett and Angelman-like Disorders Variant Curation Expert Panel
Classification: Benign for Angelman syndrome. Last evaluated: 2022-06-30. Review status: reviewed by expert panel. Criteria: ClinGen RettAS ACMG Specifications V2. Collection method: curation. Allele origin: germline. Inheritance: Autosomal dominant inheritance.
Comment: The allele frequency of the c.1064G>C p.(Ser355Thr) variant in UBE3A (NM_130839.5) is 0.078% in the South Asian sub population in gnomAD, which is high enough to be classified as benign based on thresholds defined by the ClinGen Rett/Angelman-like Expert Panel for Rett/AS-like conditions (BA1). In summary, the c.1064G>C p.(Ser355Thr) variant in UBE3A is classified as Benign based on the ACMG/AMP criteria (BA1).

Labcorp Genetics (formerly Invitae), Labcorp
Classification: Likely benign for Angelman syndrome. Last evaluated: 2026-01-23. Review status: criteria provided, single submitter. Criteria: Invitae Variant Classification Sherloc (09022015). Collection method: clinical testing. Allele origin: germline. Not counted in ClinVar's aggregate classification.

GeneDx
Classification: Benign. Last evaluated: 2021-07-09. Review status: criteria provided, single submitter. Criteria: GeneDx Variant Classification Process June 2021. Collection method: clinical testing. Allele origin: germline. Affected: yes. Not counted in ClinVar's aggregate classification.
Comment: This variant is associated with the following publications: (PMID: 25212744)

Cambridge Genomics Laboratory, East Genomic Laboratory Hub, NHS Genomic Medicine Service
Classification: Likely benign for Congenital myopathy. Last evaluated: 2019-04-17. Review status: criteria provided, single submitter. Criteria: ACGS Best Practice Guidelines for Variant Classification in Rare Disease 2020. Collection method: clinical testing. Allele origin: germline. Affected: yes. Observed: 1 variant allele. Not counted in ClinVar's aggregate classification.

Ambry Genetics
Classification: Uncertain significance for Inborn genetic diseases. Last evaluated: 2017-02-15. Review status: criteria provided, single submitter. Criteria: Ambry Variant Classification Scheme 2023. Collection method: clinical testing. Allele origin: germline. Not counted in ClinVar's aggregate classification.
Comment: The p.S335T variant (also known as c.1004G>C), located in coding exon 3 of the UBE3A gene, results from a G to C substitution at nucleotide position 1004. The serine at codon 335 is replaced by threonine, an amino acid with similar properties. This amino acid position is not well conserved in available vertebrate species. In addition, this alteration is predicted to be tolerated by in silico analysis. Since supporting evidence is limited at this time, the clinical significance of this alteration remains unclear.

CeGaT Center for Human Genetics Tuebingen
Classification: Uncertain significance. Last evaluated: 2016-12-01. Review status: criteria provided, single submitter. Criteria: CeGaT Center For Human Genetics Tuebingen Variant Classification Criteria Version 2. Collection method: clinical testing. Allele origin: germline. Affected: yes. Observed: 1 variant allele. Not counted in ClinVar's aggregate classification.

Baylor Genetics
Classification: Uncertain significance for Angelman syndrome. Last evaluated: 2014-02-14. Review status: no assertion criteria provided. Collection method: clinical testing. Allele origin: germline. Affected: yes. Observed: 1 variant allele. Study: UBE3A Mutation Study. Not counted in ClinVar's aggregate classification.
Comment: possible diagnosis of Angelman syndrome

Data collected from clinical UBE3A sequence analysis results

Literature cited by the submitters: PubMed 25212744 (cited by Baylor Genetics).

NM_130839.5(UBE3A):c.1064G>C (p.Ser355Thr)

Genes: SNHG14 (small nucleolar RNA host gene 14; plus strand), UBE3A (ubiquitin protein ligase E3A; minus strand). Cytogenetic location: 15q11.2.
Variant type: single nucleotide variant.
Coding change: c.1064G>C on transcript NM_130839.5 (MANE Select); coding-DNA position 1064, G replaced by C.
Protein change: p.Ser355Thr; replaces serine 355 with threonine.
Molecular consequence: missense variant. On other transcripts: non-coding transcript variant (1), intron variant (2).
Genome position (GRCh38, 1-based): chr15:25,371,110, C>G on the plus strand (G>C on the coding strand, the complement: UBE3A is on the minus strand). VCF-style: chr15-25371110-C-G. GRCh37 (hg19) VCF-style: chr15-25616257-C-G.
Other names: NM_130839.5(UBE3A):c.1064G>C; p.Ser355Thr; c.1073G>C, p.Ser358Thr (NM_000462.5); c.1064G>C, p.Ser355Thr (NM_001354505.1, NM_001354538.2, NM_001354545.2); c.1004G>C, p.Ser335Thr (NM_001354506.2, NM_001354507.2, NM_001354508.2 and 17 more transcripts); c.887G>C, p.Ser296Thr (NM_001354546.2); c.301+4355G>C (NM_001354551.2); c.361+4355G>C (NM_001354550.2); short protein forms S335T, S358T, S355T, S296T.
Identifiers: ClinVar variation 156132 (VCV000156132.59), dbSNP rs141984760, ClinGen allele CA333425.